The following is an entry in ClinVar:

NM_001080779.2(MYO1C):c.834C>T (p.Ile278=)

Gene: MYO1C (myosin IC; minus strand). Cytogenetic location: 17p13.3.
Variant type: single nucleotide variant.
Coding change: c.834C>T on transcript NM_001080779.2 (MANE Select); coding-DNA position 834, C replaced by T.
Protein change: p.Ile278=; no amino-acid change (isoleucine 278 retained).
Molecular consequence: synonymous variant.
Genome position (GRCh38, 1-based): chr17:1,480,599, G>A on the plus strand (C>T on the coding strand, the complement: MYO1C is on the minus strand). VCF-style: chr17-1480599-G-A. GRCh37 (hg19) VCF-style: chr17-1383893-G-A.
Other names: c.777C>T, p.Ile259= (NM_001080950.2); c.762C>T, p.Ile254= (NM_001363855.1); c.729C>T, p.Ile243= (NM_033375.5).
Identifiers: ClinVar variation 508158 (VCV000508158.2), dbSNP rs12452780, ClinGen allele CA8267829.

ClinVar aggregate classification (germline): Benign. Review status: criteria provided, multiple submitters, no conflicts (2 of 4 stars). 2 submissions from 2 submitters: Benign (2). Last evaluated 2017-08-22.

Allele frequency attached by ClinVar (database versions not stated): ESP Exome Variant Server 0.05782; ExAC 0.06101; gnomAD exomes 0.06539; gnomAD 0.06928 and 0.06948; TOPMed 0.07613; 1000 Genomes Project 30x 0.10103; 1000 Genomes Project 0.10124.
gnomAD v4.1: 57,106 of 1,613,990 alleles (3.5%); highest among the groups gnomAD compares: Admixed American, 16%; 2,479 homozygotes.

Submissions (2):

GeneDx
Classification: Benign. Last evaluated: 2017-08-22. Review status: criteria provided, single submitter. Criteria: GeneDx Variant Classification (06012015). Collection method: clinical testing. Allele origin: germline. Affected: yes.
Comment: This variant is considered likely benign or benign based on one or more of the following criteria: it is a conservative change, it occurs at a poorly conserved position in the protein, it is predicted to be benign by multiple in silico algorithms, and/or has population frequency not consistent with disease.

Breakthrough Genomics
Classification: Benign. Review status: criteria provided, single submitter. Criteria: ACMG Guidelines, 2015. Collection method: not provided. Allele origin: germline. Inheritance: Unknown mechanism. Affected: yes.